The following is an entry in ClinVar:

ClinVar aggregate classification (germline): Uncertain significance (1 of 4 stars; one submission).

Conditions:
BBS9-related disorder. Also called: BBS9-related condition.

Submission:

PreventionGenetics, part of Exact Sciences
Classification: Uncertain significance for BBS9-related condition. Last evaluated: 2025-05-23. Review status: criteria provided, single submitter. Criteria: ACMG Guidelines, 2015. Collection method: clinical testing. Allele origin: germline.
Comment: The BBS9 c.1513G>C variant is predicted to result in the amino acid substitution p.Val505Leu. To our knowledge, this variant has not been reported in the literature or in a large population database (gnomAD), indicating this variant is rare. At this time, the clinical significance of this variant is uncertain due to the absence of conclusive functional and genetic evidence.

NM_198428.3(BBS9):c.1513G>C (p.Val505Leu)

Gene: BBS9 (Bardet-Biedl syndrome 9; plus strand). Cytogenetic location: 7p14.3.
Variant type: single nucleotide variant.
Coding change: c.1513G>C on transcript NM_198428.3 (MANE Select); coding-DNA position 1513, G replaced by C.
Protein change: p.Val505Leu; replaces valine 505 with leucine.
Molecular consequence: missense variant. On other transcripts: non-coding transcript variant (3), intron variant (5).
Genome position (GRCh38, 1-based): chr7:33,351,299, G>C. VCF-style: chr7-33351299-G-C. GRCh37 (hg19) VCF-style: chr7-33390911-G-C.
Other names: c.1513G>C, p.Val505Leu (NM_001033605.2, NM_001348036.1, NM_001348041.4 and 2 more transcripts); c.1147G>C, p.Val383Leu (NM_001348037.3, NM_001348045.3, NM_001348046.3); c.1240G>C, p.Val414Leu (NM_001348038.3); c.1378G>C, p.Val460Leu (NM_001348042.3); c.1160-1560G>C (NM_001348039.3); c.1433-1560G>C (NM_001033604.2); c.1432+2129G>C (NM_014451.4, NM_001348040.3); c.1067-1560G>C (NM_001348044.3); short protein forms V383L, V414L, V460L, V505L.
Identifiers: ClinVar variation 4999097 (VCV004999097.1).
Genomic context (GRCh38, chr7:33,351,299, plus strand): 5'-GTAAGCTTTTCTGTTTATCTGAAAAGAAGTTATACACCATCAGAATTGGAAGGAAATGCT[G>C]TTGTTTCTTATTCCAGACCAACAGGTAAACATACAGGCTTAATCATTACTTTAAGTTGTT-3'
Protein context (NP_940820.1, residues 495-515): YTPSELEGNA[Val505Leu]VSYSRPTDRN